The following is an entry in ClinVar:

NM_152416.4(NDUFAF6):c.690C>T (p.Phe230=)

Gene: NDUFAF6 (NADH:ubiquinone oxidoreductase complex assembly factor 6; plus strand). Cytogenetic location: 8q22.1.
Variant type: single nucleotide variant.
Coding change: c.690C>T on transcript NM_152416.4 (MANE Select); coding-DNA position 690, C replaced by T.
Protein change: p.Phe230=; no amino-acid change (phenylalanine 230 retained).
Molecular consequence: synonymous variant. On other transcripts: non-coding transcript variant (5).
Genome position (GRCh38, 1-based): chr8:95,047,103, C>T. VCF-style: chr8-95047103-C-T. GRCh37 (hg19) VCF-style: chr8-96059331-C-T.
Other names: c.414C>T, p.Phe138= (NM_001330582.2, NM_001354514.2, NM_001354515.2 and 1 more transcripts); c.534C>T, p.Phe178= (NM_001354516.2); c.357C>T, p.Phe119= (NM_001354517.2, NM_001354518.2, NM_001354519.2 and 1 more transcripts); c.234C>T, p.Phe78= (NM_001354522.2, NM_001354524.2, NM_001354525.2 and 7 more transcripts).
Identifiers: ClinVar variation 511579 (VCV000511579.1), dbSNP rs199955582, ClinGen allele CA4814867.

ClinVar aggregate classification (germline): Likely benign (1 of 4 stars; one submission).

Allele frequency attached by ClinVar (database versions not stated): ExAC 0.00002; TOPMed 0.00003; gnomAD 0.00006.
gnomAD v4.1: 26 of 1,613,986 alleles (0.0016%); highest among the groups gnomAD compares: Middle Eastern, 0.016%; no homozygotes.

Submission:

GeneDx
Classification: Likely benign. Last evaluated: 2017-08-31. Review status: criteria provided, single submitter. Criteria: GeneDx Variant Classification (06012015). Collection method: clinical testing. Allele origin: germline. Affected: yes.
Comment: This variant is considered likely benign or benign based on one or more of the following criteria: it is a conservative change, it occurs at a poorly conserved position in the protein, it is predicted to be benign by multiple in silico algorithms, and/or has population frequency not consistent with disease.